The following is an entry in ClinVar:

NM_001142864.4(PIEZO1):c.5455_5456del (p.Lys1819fs)

Gene: PIEZO1 (piezo type mechanosensitive ion channel component 1 (Er blood group); minus strand). Cytogenetic location: 16q24.3.
Variant type: Deletion.
Coding change: c.5455_5456del on transcript NM_001142864.4 (MANE Select); coding-DNA positions 5455 to 5456, 2 bases deleted (AA; older notation c.5455_5456delAA).
Protein change: p.Lys1819fs; shifts the reading frame from lysine 1819.
Molecular consequence: frameshift variant.
Genome position (GRCh38, 1-based): chr16:88,721,378-88,721,379, TT deleted on the plus strand (AA on the coding strand, the reverse complement: PIEZO1 is on the minus strand). VCF-style (leftmost placement, unchanged base first): chr16-88721377-CTT-C. GRCh37 (hg19) VCF-style: chr16-88787785-CTT-C.
Other names: short protein forms K1819fs.
Identifiers: ClinVar variation 5042767 (VCV005042767.1).

ClinVar aggregate classification (germline): Pathogenic (1 of 4 stars; one submission).

Conditions:
Fetal anomalies with a likely genetic cause.

Submission:

Genetics Laboratory, Great Ormond Street Hospital NHS Foundation Trust, North Thames Genomic Laboratory Hub
Classification: Pathogenic for Fetal anomalies with a likely genetic cause. Last evaluated: 2026-09-15. Review status: criteria provided, single submitter. Criteria: ACGS Best Practice Guidelines for Variant Classification in Rare Disease 2024 v1.2. Collection method: clinical testing. Allele origin: germline. Affected: yes.
Comment: PM2_moderate, PVS1_very-strong